The following is an entry in ClinVar:

NM_182760.4(SUMF1):c.400A>G (p.Thr134Ala)

Gene: SUMF1 (sulfatase modifying factor 1; minus strand). Cytogenetic location: 3p26.1.
Variant type: single nucleotide variant.
Coding change: c.400A>G on transcript NM_182760.4 (MANE Select); coding-DNA position 400, A replaced by G.
Protein change: p.Thr134Ala; replaces threonine 134 with alanine.
Molecular consequence: missense variant.
Genome position (GRCh38, 1-based): chr3:4,452,920, T>C on the plus strand (A>G on the coding strand, the complement: SUMF1 is on the minus strand). VCF-style: chr3-4452920-T-C. GRCh37 (hg19) VCF-style: chr3-4494604-T-C.
Other names: c.400A>G, p.Thr134Ala (NM_001164674.2, NM_001164675.2); short protein forms T134A.
Identifiers: ClinVar variation 1435757 (VCV001435757.7), dbSNP rs2125133637, ClinGen allele CA351793165.

ClinVar aggregate classification (germline): Uncertain significance (1 of 4 stars; one submission).

Conditions:
Multiple sulfatase deficiency (MSD). Also called: Mucosulfatidosis; Multiple Sulfatase Deficiency Disease; Sulfatidosis, Juvenile, Austin Type. Identifiers: Orphanet 585, MedGen C0268263, MONDO:0010088, OMIM 272200.

Submission:

Labcorp Genetics (formerly Invitae), Labcorp
Classification: Uncertain significance for Multiple sulfatase deficiency. Last evaluated: 2024-12-09. Review status: criteria provided, single submitter. Criteria: Invitae Variant Classification Sherloc (09022015). Collection method: clinical testing. Allele origin: germline.
Comment: This sequence change replaces threonine, which is neutral and polar, with alanine, which is neutral and non-polar, at codon 134 of the SUMF1 protein (p.Thr134Ala). This variant is not present in population databases (gnomAD no frequency). This variant has not been reported in the literature in individuals affected with SUMF1-related conditions. ClinVar contains an entry for this variant (Variation ID: 1435757). Invitae Evidence Modeling of protein sequence and biophysical properties (such as structural, functional, and spatial information, amino acid conservation, physicochemical variation, residue mobility, and thermodynamic stability) indicates that this missense variant is not expected to disrupt SUMF1 protein function with a negative predictive value of 95%. In summary, the available evidence is currently insufficient to determine the role of this variant in disease. Therefore, it has been classified as a Variant of Uncertain Significance.